The following is an entry in ClinVar:

ClinVar aggregate classification (germline): Uncertain significance (1 of 4 stars; one submission).

Conditions:
Spermatogenic failure 18. Identifiers: MedGen C4539783, MONDO:0054615, OMIM 617576.
Ciliary dyskinesia, primary, 37 (CILD37). Also called: CILIARY DYSKINESIA, PRIMARY, 37, WITH OR WITHOUT SITUS INVERSUS. Identifiers: MedGen C4539798, MONDO:0033204, OMIM 617577.

gnomAD v4.1: 1 of 1,596,014 alleles (0.000063%); highest among the groups gnomAD compares: Admixed American, 0.0017%; no homozygotes.

Submission:

Labcorp Genetics (formerly Invitae), Labcorp
Classification: Uncertain significance for Ciliary dyskinesia, primary, 37; Spermatogenic failure 18. Last evaluated: 2025-06-24. Review status: criteria provided, single submitter. Criteria: Invitae Variant Classification Sherloc (09022015). Collection method: clinical testing. Allele origin: germline.
Comment: This sequence change replaces methionine, which is neutral and non-polar, with valine, which is neutral and non-polar, at codon 2497 of the DNAH1 protein (p.Met2497Val). The frequency data for this variant in the population databases is considered unreliable, as metrics indicate poor data quality at this position in the gnomAD database. This variant has not been reported in the literature in individuals affected with DNAH1-related conditions. Invitae Evidence Modeling of protein sequence and biophysical properties (such as structural, functional, and spatial information, amino acid conservation, physicochemical variation, residue mobility, and thermodynamic stability) indicates that this missense variant is not expected to disrupt DNAH1 protein function with a negative predictive value of 80%. In summary, the available evidence is currently insufficient to determine the role of this variant in disease. Therefore, it has been classified as a Variant of Uncertain Significance.

NM_015512.5(DNAH1):c.7489A>G (p.Met2497Val)

Gene: DNAH1 (dynein axonemal heavy chain 1; plus strand). Cytogenetic location: 3p21.1.
Variant type: single nucleotide variant.
Coding change: c.7489A>G on transcript NM_015512.5 (MANE Select); coding-DNA position 7489, A replaced by G.
Protein change: p.Met2497Val; replaces methionine 2497 with valine.
Molecular consequence: missense variant.
Genome position (GRCh38, 1-based): chr3:52,380,016, A>G. VCF-style: chr3-52380016-A-G. GRCh37 (hg19) VCF-style: chr3-52414032-A-G.
Other names: short protein forms M2497V.
Identifiers: ClinVar variation 4794900 (VCV004794900.1).